The following is an entry in ClinVar:

NM_000540.3(RYR1):c.13279C>T (p.His4427Tyr)

Genes: RYR1 (ryanodine receptor 1; plus strand), LOC130064357 (ATAC-STARR-seq lymphoblastoid silent region 10577; plus strand). Cytogenetic location: 19q13.2.
Variant type: single nucleotide variant.
Coding change: c.13279C>T on transcript NM_000540.3 (MANE Select); coding-DNA position 13279, C replaced by T.
Protein change: p.His4427Tyr; replaces histidine 4427 with tyrosine.
Molecular consequence: missense variant.
Genome position (GRCh38, 1-based): chr19:38,565,613, C>T. VCF-style: chr19-38565613-C-T. GRCh37 (hg19) VCF-style: chr19-39056253-C-T.
Other names: c.13264C>T, p.His4422Tyr (NM_001042723.2); c.13279C>T (NM_000540.2); short protein forms H4422Y, H4427Y.
Identifiers: ClinVar variation 1415915 (VCV001415915.7), dbSNP rs1973378079, ClinGen allele CA405674741.

ClinVar aggregate classification (germline): Uncertain significance. Review status: criteria provided, multiple submitters, no conflicts (2 of 4 stars). 3 submissions from 3 submitters: Uncertain significance (3). Last evaluated 2026-07-29.

Conditions:
Congenital myopathy with fiber type disproportion. Also called: Congenital fiber-type disproportion; Congenital fiber-type disproportion myopathy. Identifiers: Orphanet 2020, MedGen C0546264, MONDO:0009711. Inheritance: all.
Malignant hyperthermia, susceptibility to, 1 (MHS1). Also called: RYR1-Related Malignant Hyperthermia Susceptibility; Anesthesia related hyperthermia; Malignant hyperpyrexia; Fulminating hyperpyrexia; Pharmacogenic myopathy; Malignant hyperthermia suceptibility 1. Identifiers: Orphanet 423, MedGen C2930980, MONDO:0007783, OMIM 145600.
King Denborough syndrome (KDS). Identifiers: MedGen C1840365, MONDO:0020485, OMIM 619542.
Central core myopathy (CMYO1A). Also called: Central core disease; Myopathy, central fibrillar; CONGENITAL MYOPATHY 1A, AUTOSOMAL DOMINANT, WITH SUSCEPTIBILITY TO MALIGNANT HYPERTHERMIA. Identifiers: Orphanet 597, MedGen C5830701, MONDO:0007294, OMIM 117000.
Congenital multicore myopathy with external ophthalmoplegia (CMYO1B). Also called: Minicore myopathy with external ophthalmoplegia; MULTIMINICORE DISEASE WITH EXTERNAL OPHTHALMOPLEGIA; Congenital myopathy 1B, autosomal recessive; Minicore myopathy; MULTICORE MYOPATHY. Identifiers: Orphanet 598, Orphanet 98905, MedGen C1850674, MONDO:0009712, OMIM 255320, HP:0003789.
RYR1-related disorder. Also called: RYR1-related condition; RYR1-related disorders. Identifiers: MedGen CN239331.
Inborn genetic diseases. Identifiers: MedGen C0950123, MeSH D030342.

Allele frequency attached by ClinVar (database versions not stated): TOPMed 0.00001; gnomAD exomes below 0.00001.
gnomAD v4.1: 3 of 1,434,402 alleles (0.00021%); highest among the groups gnomAD compares: Non-Finnish European, 0.00027%; no homozygotes.

Submissions (3):

Ambry Genetics
Classification: Uncertain significance for Inborn genetic diseases. Last evaluated: 2026-07-29. Review status: criteria provided, single submitter. Criteria: Ambry Variant Classification Scheme 2023. Collection method: clinical testing. Allele origin: germline.

Labcorp Genetics (formerly Invitae), Labcorp
Classification: Uncertain significance for RYR1-related disorder. Last evaluated: 2024-09-23. Review status: criteria provided, single submitter. Criteria: Invitae Variant Classification Sherloc (09022015). Collection method: clinical testing. Allele origin: germline.
Comment: This sequence change replaces histidine, which is basic and polar, with tyrosine, which is neutral and polar, at codon 4427 of the RYR1 protein (p.His4427Tyr). This variant is not present in population databases (gnomAD no frequency). This variant has not been reported in the literature in individuals affected with RYR1-related conditions. ClinVar contains an entry for this variant (Variation ID: 1415915). Invitae Evidence Modeling of protein sequence and biophysical properties (such as structural, functional, and spatial information, amino acid conservation, physicochemical variation, residue mobility, and thermodynamic stability) indicates that this missense variant is not expected to disrupt RYR1 protein function with a negative predictive value of 95%. In summary, the available evidence is currently insufficient to determine the role of this variant in disease. Therefore, it has been classified as a Variant of Uncertain Significance.

Fulgent Genetics
Classification: Uncertain significance for Central core myopathy; Malignant hyperthermia, susceptibility to, 1; Congenital myopathy 4A, autosomal dominant; Congenital multicore myopathy with external ophthalmoplegia; King Denborough syndrome. Last evaluated: 2021-10-16. Review status: criteria provided, single submitter. Criteria: ACMG Guidelines, 2015. Collection method: clinical testing. Allele origin: unknown.